The following is an entry in ClinVar:

NM_000722.4(CACNA2D1):c.1880A>G (p.Lys627Arg)

Gene: CACNA2D1 (calcium voltage-gated channel auxiliary subunit alpha2delta 1; minus strand). Cytogenetic location: 7q21.11.
Variant type: single nucleotide variant.
Coding change: c.1880A>G on transcript NM_000722.4 (MANE Select); coding-DNA position 1880, A replaced by G.
Protein change: p.Lys627Arg; replaces lysine 627 with arginine.
Molecular consequence: missense variant. On other transcripts: intron variant (1).
Genome position (GRCh38, 1-based): chr7:81,983,328, T>C on the plus strand (A>G on the coding strand, the complement: CACNA2D1 is on the minus strand). VCF-style: chr7-81983328-T-C. GRCh37 (hg19) VCF-style: chr7-81612644-T-C.
Other names: c.1931-701A>G (NM_001366867.1); c.1880A>G (LRG_437t1); short protein forms K627R.
Identifiers: ClinVar variation 422513 (VCV000422513.12), dbSNP rs1064795828, ClinGen allele CA16618567.
Genomic context (GRCh38, chr7:81,983,328, plus strand): 5'-CAAGTGTACTAAACAGAAAGAAGTTGAGCAACAAGAAAATACTTGCCCTTCATTTTGCCC[T>C]TTTTTGCTGTGAAAATCCATCAGAAAGAGAAAGCAGGGAAACAAAAAAAAAAGAGGGTAA-3'
Protein context (NP_000713.2, residues 617-637): EETITQARSK[Lys627Arg]GKMKDSETLK

ClinVar aggregate classification (germline): Uncertain significance. Review status: criteria provided, multiple submitters, no conflicts (2 of 4 stars). 3 submissions from 3 submitters: Uncertain significance (3). Last evaluated 2025-12-08.

Conditions:
Brugada syndrome. Also called: Sudden unexplained nocturnal death syndrome; Sudden Unexplained Death Syndrome; Sudden Unexplained Nocturnal Death Syndrome (SUNDS); Sudden unexpected nocturnal death syndrome. Identifiers: Orphanet 130, MedGen C1142166, MONDO:0015263.
Cardiovascular phenotype. Identifiers: MedGen CN230736.

Allele frequency attached by ClinVar (database versions not stated): gnomAD 0.00001; gnomAD exomes 0.00001; TOPMed 0.00002.
gnomAD v4.1: 30 of 1,609,308 alleles (0.0019%); highest among the groups gnomAD compares: Non-Finnish European, 0.0025%; no homozygotes.

Submissions (3):

Labcorp Genetics (formerly Invitae), Labcorp
Classification: Uncertain significance for Brugada syndrome. Last evaluated: 2025-12-08. Review status: criteria provided, single submitter. Criteria: Invitae Variant Classification Sherloc (09022015). Collection method: clinical testing. Allele origin: germline.
Comment: This sequence change replaces lysine, which is basic and polar, with arginine, which is basic and polar, at codon 627 of the CACNA2D1 protein (p.Lys627Arg). The frequency data for this variant in the population databases is considered unreliable, as metrics indicate poor data quality at this position in the gnomAD database. This variant has not been reported in the literature in individuals affected with CACNA2D1-related conditions. ClinVar contains an entry for this variant (Variation ID: 422513). An algorithm developed to predict the effect of missense changes on protein structure and function (PolyPhen-2) suggests that this variant is likely to be tolerated. In summary, the available evidence is currently insufficient to determine the role of this variant in disease. Therefore, it has been classified as a Variant of Uncertain Significance.

Ambry Genetics
Classification: Uncertain significance for Cardiovascular phenotype. Last evaluated: 2025-05-02. Review status: criteria provided, single submitter. Criteria: Ambry Variant Classification Scheme 2023. Collection method: clinical testing. Allele origin: germline.
Comment: The p.K627R variant (also known as c.1880A>G), located in coding exon 23 of the CACNA2D1 gene, results from an A to G substitution at nucleotide position 1880. The lysine at codon 627 is replaced by arginine, an amino acid with highly similar properties. This amino acid position is conserved. In addition, this alteration is predicted to be tolerated by in silico analysis. Based on the available evidence, the clinical significance of this variant remains unclear.

GeneDx
Classification: Uncertain significance. Last evaluated: 2016-10-31. Review status: criteria provided, single submitter. Criteria: GeneDx Variant Classification (06012015). Collection method: clinical testing. Allele origin: germline. Affected: yes.
Comment: The K627R novel variant of uncertain significance in the CACNA2D1 gene has not been published as a pathogenic or benign variant to our knowledge. This variant was not observed in approximately 6,500 individuals of European and African American ancestry in the NHLBI Exome Sequencing Project, indicating it is not a common benign variant in these populations. In silico analysis is inconsistent in its predictions as to whether or not the variant is damaging to the protein structure/function. Although this substitution occurs at a position that is conserved in mammals, R627 is present in one non-mammalian species. The K627R variant is also a conservative amino acid substitution, which is not likely to impact secondary protein structure as these residues share similar properties. Therefore, based on the currently available information, it is unclear whether this variant is pathogenic or rare benign.